The following is an entry in ClinVar:

ClinVar aggregate classification (germline): Likely benign (1 of 4 stars; one submission).

Allele frequency attached by ClinVar (database versions not stated): gnomAD exomes below 0.00001; TOPMed below 0.00001; ESP Exome Variant Server 0.00008.
gnomAD v4.1: 1 of 1,610,118 alleles (0.000062%); highest among the groups gnomAD compares: Non-Finnish European, 0.000085%; no homozygotes.

Submission:

GeneDx
Classification: Likely benign. Last evaluated: 2015-12-02. Review status: criteria provided, single submitter. Criteria: GeneDx Variant Classification (06012015). Collection method: clinical testing. Allele origin: germline. Affected: yes.
Comment: This variant is considered likely benign or benign based on one or more of the following criteria: it is a conservative change, it occurs at a poorly conserved position in the protein, it is predicted to be benign by multiple in silico algorithms, and/or has population frequency not consistent with disease.

NM_001375808.2(LPIN2):c.1621-18C>G

Gene: LPIN2 (lipin 2; minus strand). Cytogenetic location: 18p11.31.
Variant type: single nucleotide variant.
Coding change: c.1621-18C>G on transcript NM_001375808.2 (MANE Select); 18 bases into the intron before coding-DNA position 1621, C replaced by G.
Molecular consequence: intron variant.
Genome position (GRCh38, 1-based): chr18:2,927,829, G>C on the plus strand (C>G on the coding strand, the complement: LPIN2 is on the minus strand). VCF-style: chr18-2927829-G-C. GRCh37 (hg19) VCF-style: chr18-2927827-G-C.
Other names: c.1621-18C>G (NM_014646.2, NM_001375809.1).
Identifiers: ClinVar variation 246139 (VCV000246139.1), dbSNP rs375819924, ClinGen allele CA10584598.